The following is an entry in ClinVar:

NM_001009999.3(KDM1A):c.1072+3A>T

Gene: KDM1A (lysine demethylase 1A; plus strand). Cytogenetic location: 1p36.12.
Variant type: single nucleotide variant.
Coding change: c.1072+3A>T on transcript NM_001009999.3 (MANE Select); 3 bases into the intron after coding-DNA position 1072, A replaced by T.
Molecular consequence: intron variant.
Genome position (GRCh38, 1-based): chr1:23,057,568, A>T. VCF-style: chr1-23057568-A-T. GRCh37 (hg19) VCF-style: chr1-23384061-A-T.
Other names: c.1012+3A>T (NM_001363654.2, NM_015013.4).
Identifiers: ClinVar variation 2008644 (VCV002008644.4), dbSNP rs1553129313, ClinGen allele CA2580061493.

ClinVar aggregate classification (germline): Uncertain significance (1 of 4 stars; one submission).

Allele frequency attached by ClinVar (database versions not stated): gnomAD exomes below 0.00001.
gnomAD v4.1: 1 of 1,610,416 alleles (0.000062%); highest among the groups gnomAD compares: Non-Finnish European, 0.000085%; no homozygotes.

Submission:

Labcorp Genetics (formerly Invitae), Labcorp
Classification: Uncertain significance. Last evaluated: 2023-10-09. Review status: criteria provided, single submitter. Criteria: Invitae Variant Classification Sherloc (09022015). Collection method: clinical testing. Allele origin: germline.
Comment: This sequence change falls in intron 8 of the KDM1A gene. It does not directly change the encoded amino acid sequence of the KDM1A protein. It affects a nucleotide within the consensus splice site. This variant is not present in population databases (gnomAD no frequency). This variant has not been reported in the literature in individuals affected with KDM1A-related conditions. ClinVar contains an entry for this variant (Variation ID: 2008644). Variants that disrupt the consensus splice site are a relatively common cause of aberrant splicing (PMID: 17576681, 9536098). Algorithms developed to predict the effect of sequence changes on RNA splicing suggest that this variant is not likely to affect RNA splicing. In summary, the available evidence is currently insufficient to determine the role of this variant in disease. Therefore, it has been classified as a Variant of Uncertain Significance.

Literature cited by the submitters: PubMed 17576681; PubMed 9536098.